The following is an entry in ClinVar:

NM_001378418.1(TCF20):c.265T>A (p.Phe89Ile)

Gene: TCF20 (transcription factor 20; minus strand). Cytogenetic location: 22q13.2.
Variant type: single nucleotide variant.
Coding change: c.265T>A on transcript NM_001378418.1 (MANE Select); coding-DNA position 265, T replaced by A.
Protein change: p.Phe89Ile; replaces phenylalanine 89 with isoleucine.
Molecular consequence: missense variant.
Genome position (GRCh38, 1-based): chr22:42,215,041, A>T on the plus strand (T>A on the coding strand, the complement: TCF20 is on the minus strand). VCF-style: chr22-42215041-A-T. GRCh37 (hg19) VCF-style: chr22-42611047-A-T.
Other names: c.265T>A, p.Phe89Ile (NM_005650.4, NM_181492.3); short protein forms F89I.
Identifiers: ClinVar variation 4778244 (VCV004778244.1).

ClinVar aggregate classification (germline): Uncertain significance (1 of 4 stars; one submission).

Submission:

Labcorp Genetics (formerly Invitae), Labcorp
Classification: Uncertain significance. Last evaluated: 2025-06-27. Review status: criteria provided, single submitter. Criteria: Invitae Variant Classification Sherloc (09022015). Collection method: clinical testing. Allele origin: germline.
Comment: This sequence change replaces phenylalanine, which is neutral and non-polar, with isoleucine, which is neutral and non-polar, at codon 89 of the TCF20 protein (p.Phe89Ile). This variant is not present in population databases (gnomAD no frequency). This variant has not been reported in the literature in individuals affected with TCF20-related conditions. An algorithm developed to predict the effect of missense changes on protein structure and function (PolyPhen-2) suggests that this variant is likely to be disruptive. In summary, the available evidence is currently insufficient to determine the role of this variant in disease. Therefore, it has been classified as a Variant of Uncertain Significance.